The following is an entry in ClinVar:

NM_022167.4(XYLT2):c.2080A>G (p.Thr694Ala)

Gene: XYLT2 (xylosyltransferase 2; plus strand). Cytogenetic location: 17q21.33.
Variant type: single nucleotide variant.
Coding change: c.2080A>G on transcript NM_022167.4 (MANE Select); coding-DNA position 2080, A replaced by G.
Protein change: p.Thr694Ala; replaces threonine 694 with alanine.
Molecular consequence: missense variant.
Genome position (GRCh38, 1-based): chr17:50,358,345, A>G. VCF-style: chr17-50358345-A-G. GRCh37 (hg19) VCF-style: chr17-48435706-A-G.
Other names: c.2080A>G (NM_022167.3); short protein forms T694A.
Identifiers: ClinVar variation 1372144 (VCV001372144.5), dbSNP rs145098209, ClinGen allele CA8646657.

ClinVar aggregate classification (germline): Uncertain significance. Review status: criteria provided, multiple submitters, no conflicts (2 of 4 stars). 3 submissions from 3 submitters: Uncertain significance (3). Last evaluated 2026-05-07.

Conditions:
XYLT2-related disorder. Also called: XYLT2-related condition.
Inborn genetic diseases. Identifiers: MedGen C0950123, MeSH D030342.

Allele frequency attached by ClinVar (database versions not stated): ExAC 0.00002; gnomAD exomes 0.00002; gnomAD 0.00003 and 0.00004; TOPMed 0.00003; ESP Exome Variant Server 0.00008.
gnomAD v4.1: 38 of 1,613,784 alleles (0.0024%); highest among the groups gnomAD compares: Middle Eastern, 0.033%; no homozygotes.

Submissions (3):

PreventionGenetics, part of Exact Sciences
Classification: Uncertain significance for XYLT2-related condition. Last evaluated: 2026-05-07. Review status: criteria provided, single submitter. Criteria: ACMG Guidelines, 2015. Collection method: clinical testing. Allele origin: germline.
Comment: The XYLT2 c.2080A>G variant is predicted to result in the amino acid substitution p.Thr694Ala. To our knowledge, this variant has not been reported in the literature. This variant is reported in 0.0054% of alleles in individuals of European (Non-Finnish) descent in gnomAD. At this time, the clinical significance of this variant is uncertain due to the absence of conclusive functional and genetic evidence.

Ambry Genetics
Classification: Uncertain significance for Inborn genetic diseases. Last evaluated: 2023-03-14. Review status: criteria provided, single submitter. Criteria: Ambry Variant Classification Scheme 2023. Collection method: clinical testing. Allele origin: germline.

Labcorp Genetics (formerly Invitae), Labcorp
Classification: Uncertain significance. Last evaluated: 2022-08-23. Review status: criteria provided, single submitter. Criteria: Invitae Variant Classification Sherloc (09022015). Collection method: clinical testing. Allele origin: germline.
Comment: This sequence change replaces threonine, which is neutral and polar, with alanine, which is neutral and non-polar, at codon 694 of the XYLT2 protein (p.Thr694Ala). This variant is present in population databases (rs145098209, gnomAD 0.006%). This variant has not been reported in the literature in individuals affected with XYLT2-related conditions. ClinVar contains an entry for this variant (Variation ID: 1372144). Algorithms developed to predict the effect of missense changes on protein structure and function (SIFT, PolyPhen-2, Align-GVGD) all suggest that this variant is likely to be tolerated. Algorithms developed to predict the effect of sequence changes on RNA splicing suggest that this variant may create or strengthen a splice site. In summary, the available evidence is currently insufficient to determine the role of this variant in disease. Therefore, it has been classified as a Variant of Uncertain Significance.